The following is an entry in ClinVar:

ClinVar aggregate classification (germline): Benign. Review status: criteria provided, multiple submitters, no conflicts (2 of 4 stars). 3 submissions from 3 submitters: Benign (2). 1 of the submissions does not count toward it. Last evaluated 2016-03-28.

Conditions:
SERPINA3-related disorder. Also called: SERPINA3-related condition.

Allele frequency attached by ClinVar (database versions not stated): 1000 Genomes Project 0.04473; 1000 Genomes Project 30x 0.04482; gnomAD 0.07192 and 0.07285; TOPMed 0.07369; gnomAD exomes 0.08090 and 0.10062; ExAC 0.08190; ESP Exome Variant Server 0.08227.
gnomAD v4.1: 158,180 of 1,614,086 alleles (9.8%); highest among the groups gnomAD compares: Middle Eastern, 14%; 8,645 homozygotes.

Submissions (3):

Laboratory for Molecular Medicine, Mass General Brigham Personalized Medicine
Classification: Benign. Last evaluated: 2016-03-28. Review status: criteria provided, single submitter. Criteria: LMM Criteria. Collection method: clinical testing. Allele origin: germline.
Comment: Variant identified in a genome or exome case(s) and assessed due to predicted null impact of the variant or pathogenic assertions in the literature or databases. Disclaimer: This variant has not undergone full assessment. The following are preliminary notes: Frequency

Breakthrough Genomics
Classification: Benign. Review status: criteria provided, single submitter. Criteria: ACMG Guidelines, 2015. Collection method: not provided. Allele origin: germline. Inheritance: Unknown mechanism. Affected: yes.

PreventionGenetics, part of Exact Sciences
Classification: Benign for SERPINA3-related condition. Last evaluated: 2024-04-05. Review status: no assertion criteria provided. Collection method: clinical testing. Allele origin: germline. Not counted in ClinVar's aggregate classification.
Comment: This variant is classified as benign based on ACMG/AMP sequence variant interpretation guidelines (Richards et al. 2015 PMID: 25741868, with internal and published modifications).

NM_001085.5(SERPINA3):c.303A>G (p.Lys101=)

Gene: SERPINA3 (serpin family A member 3; plus strand). Cytogenetic location: 14q32.13.
Variant type: single nucleotide variant.
Coding change: c.303A>G on transcript NM_001085.5 (MANE Select); coding-DNA position 303, A replaced by G.
Protein change: p.Lys101=; no amino-acid change (lysine 101 retained).
Molecular consequence: synonymous variant.
Genome position (GRCh38, 1-based): chr14:94,614,744, A>G. VCF-style: chr14-94614744-A-G. GRCh37 (hg19) VCF-style: chr14-95081081-A-G.
Identifiers: ClinVar variation 403428 (VCV000403428.7), dbSNP rs17826465, ClinGen allele CA7329726.